The following is an entry in ClinVar:

NM_005422.4(TECTA):c.1638del (p.Phe546fs)

Genes: TBCEL-TECTA (TBCEL-TECTA readthrough; plus strand), TECTA (tectorin alpha; plus strand). Cytogenetic location: 11q23.3.
Variant type: Deletion.
Coding change: c.1638del on transcript NM_005422.4 (MANE Select); coding-DNA position 1638, one base deleted (T; older notation c.1638delT).
Protein change: p.Phe546fs; shifts the reading frame from phenylalanine 546.
Molecular consequence: frameshift variant.
Genome position (GRCh38, 1-based): chr11:121,125,736, T deleted; the last of 4 consecutive T bases (chr11:121,125,733-121,125,736); deleting any one gives the same sequence. VCF-style (leftmost placement, unchanged base first): chr11-121125732-CT-C. GRCh37 (hg19) VCF-style: chr11-120996441-CT-C.
Other names: c.2595del, p.Phe865fs (NM_001378761.1); short protein forms F865fs, F546fs.
Identifiers: ClinVar variation 5007803 (VCV005007803.2).
Genomic context (GRCh38, chr11:121,125,732, plus strand): 5'-GCTTCCTCAACAAGACAGACGGCCCTCTGTGGGAGTGTGGCACTGTCGTGGACCCCACTG[CT>C]TTTGTGCACAGCTGCGTGTATGACCTGTGCAGTGTGAGGGACAATGGCACGCTCCTCTGC-3'

ClinVar aggregate classification (germline): Likely pathogenic (1 of 4 stars; one submission).

Conditions:
Autosomal recessive nonsyndromic hearing loss 21. Identifiers: Orphanet 90636, MedGen C1863655, MONDO:0011351, OMIM 603629.

Submission:

Juno Genomics, Hangzhou Juno Genomics, Inc
Classification: Likely pathogenic for Autosomal recessive nonsyndromic hearing loss 21. Review status: criteria provided, single submitter. Criteria: ACMG Guidelines, 2015. Collection method: clinical testing. Allele origin: germline.
Comment: Null variant in a gene where loss of function (LOF) is a known mechanism of disease.;Absent from controls (or at extremely low frequency if recessive) in Genome Aggregation Database.